The following is an entry in ClinVar:

NM_014141.6(CNTNAP2):c.778T>C (p.Tyr260His)

Gene: CNTNAP2 (contactin associated protein 2; plus strand). Cytogenetic location: 7q35.
Variant type: single nucleotide variant.
Coding change: c.778T>C on transcript NM_014141.6 (MANE Select); coding-DNA position 778, T replaced by C.
Protein change: p.Tyr260His; replaces tyrosine 260 with histidine.
Molecular consequence: missense variant.
Genome position (GRCh38, 1-based): chr7:147,121,002, T>C. VCF-style: chr7-147121002-T-C. GRCh37 (hg19) VCF-style: chr7-146818094-T-C.
Other names: c.778T>C (NM_014141.5); short protein forms Y260H.
Identifiers: ClinVar variation 1486467 (VCV001486467.7), dbSNP rs376365253, ClinGen allele CA168689472.
Genomic context (GRCh38, chr7:147,121,002, plus strand): 5'-TCATTGCATTGTTTCTTTTTCACTTCTGTGTACGCAGGAAGCAACCAGCTTGGCCCCATA[T>C]ATGGCCACACATCAGTGATGACAGGAAGTTTGCTGGATGACCACCACTGGCACTCTGTGG-3'
Protein context (NP_054860.1, residues 250-270): NLGSNQLGPI[Tyr260His]GHTSVMTGSL

ClinVar aggregate classification (germline): Uncertain significance. Review status: criteria provided, multiple submitters, no conflicts (2 of 4 stars). 3 submissions from 3 submitters: Uncertain significance (3). Last evaluated 2025-11-07.

Conditions:
Inborn genetic diseases. Identifiers: MedGen C0950123, MeSH D030342.
Cortical dysplasia-focal epilepsy syndrome (PTHSL1). Also called: Pitt-Hopkins-like syndrome 1. Identifiers: Orphanet 163681, Orphanet 221150, MedGen C2750246, MONDO:0012400, OMIM 610042.

Allele frequency attached by ClinVar (database versions not stated): gnomAD exomes 0.00001; TOPMed 0.00001; ESP Exome Variant Server 0.00008.
gnomAD v4.1: 10 of 1,613,818 alleles (0.00062%); highest among the groups gnomAD compares: Non-Finnish European, 0.00085%; no homozygotes.

Submissions (3):

Ambry Genetics
Classification: Uncertain significance for Inborn genetic diseases. Last evaluated: 2025-11-07. Review status: criteria provided, single submitter. Criteria: Ambry Variant Classification Scheme 2023. Collection method: clinical testing. Allele origin: germline.

GeneDx
Classification: Uncertain significance. Last evaluated: 2024-09-24. Review status: criteria provided, single submitter. Criteria: GeneDx Variant Classification Process June 2021. Collection method: clinical testing. Allele origin: germline. Affected: yes.
Comment: Not observed at significant frequency in large population cohorts (gnomAD); In silico analysis indicates that this missense variant does not alter protein structure/function; Has not been previously published as pathogenic or benign to our knowledge

Labcorp Genetics (formerly Invitae), Labcorp
Classification: Uncertain significance for Cortical dysplasia-focal epilepsy syndrome. Last evaluated: 2022-07-12. Review status: criteria provided, single submitter. Criteria: Invitae Variant Classification Sherloc (09022015). Collection method: clinical testing. Allele origin: germline.
Comment: This sequence change replaces tyrosine, which is neutral and polar, with histidine, which is basic and polar, at codon 260 of the CNTNAP2 protein (p.Tyr260His). This variant is not present in population databases (gnomAD no frequency). This variant has not been reported in the literature in individuals affected with CNTNAP2-related conditions. ClinVar contains an entry for this variant (Variation ID: 1486467). Algorithms developed to predict the effect of missense changes on protein structure and function (SIFT, PolyPhen-2, Align-GVGD) all suggest that this variant is likely to be tolerated. In summary, the available evidence is currently insufficient to determine the role of this variant in disease. Therefore, it has been classified as a Variant of Uncertain Significance.